The following is an entry in ClinVar:

ClinVar aggregate classification (germline): Uncertain significance (1 of 4 stars; one submission).

Conditions:
Norman-Roberts syndrome (LIS2). Also called: Lissencephaly 2 (Norman-Roberts type). Identifiers: Orphanet 89844, MedGen C0796089, MONDO:0009760, OMIM 257320.
Familial temporal lobe epilepsy 7. Identifiers: Orphanet 101046, MedGen C4225327, MONDO:0014639, OMIM 616436.

Submission:

Labcorp Genetics (formerly Invitae), Labcorp
Classification: Uncertain significance for Familial temporal lobe epilepsy 7; Norman-Roberts syndrome. Last evaluated: 2019-06-26. Review status: criteria provided, single submitter. Criteria: Invitae Variant Classification Sherloc (09022015). Collection method: clinical testing. Allele origin: germline.
Comment: Algorithms developed to predict the effect of missense changes on protein structure and function are either unavailable or do not agree on the potential impact of this missense change (SIFT: "Deleterious"; PolyPhen-2: "Probably Damaging"; Align-GVGD: "Class C0"). In summary, the available evidence is currently insufficient to determine the role of this variant in disease. Therefore, it has been classified as a Variant of Uncertain Significance. This variant has not been reported in the literature in individuals with RELN-related disease. This variant is not present in population databases (ExAC no frequency). This sequence change replaces glycine with valine at codon 1405 of the RELN protein (p.Gly1405Val). The glycine residue is highly conserved and there is a moderate physicochemical difference between glycine and valine.

NM_005045.4(RELN):c.4214G>T (p.Gly1405Val)

Gene: RELN (reelin; minus strand). Cytogenetic location: 7q22.1.
Variant type: single nucleotide variant.
Coding change: c.4214G>T on transcript NM_005045.4 (MANE Select); coding-DNA position 4214, G replaced by T.
Protein change: p.Gly1405Val; replaces glycine 1405 with valine.
Molecular consequence: missense variant.
Genome position (GRCh38, 1-based): chr7:103,575,637, C>A on the plus strand (G>T on the coding strand, the complement: RELN is on the minus strand). VCF-style: chr7-103575637-C-A. GRCh37 (hg19) VCF-style: chr7-103216084-C-A.
Other names: c.4214G>T, p.Gly1405Val (NM_173054.3); short protein forms G1405V.
Identifiers: ClinVar variation 583187 (VCV000583187.10), dbSNP rs1562900485, ClinGen allele CA368752366.